The following is an entry in ClinVar:

NM_001162501.2(TNRC6B):c.2603A>T (p.Lys868Met)

Gene: TNRC6B (trinucleotide repeat containing adaptor 6B; plus strand). Cytogenetic location: 22q13.1.
Variant type: single nucleotide variant.
Coding change: c.2603A>T on transcript NM_001162501.2 (MANE Select); coding-DNA position 2603, A replaced by T.
Protein change: p.Lys868Met; replaces lysine 868 with methionine.
Molecular consequence: missense variant. On other transcripts: intron variant (1).
Genome position (GRCh38, 1-based): chr22:40,266,833, A>T. VCF-style: chr22-40266833-A-T. GRCh37 (hg19) VCF-style: chr22-40662837-A-T.
Other names: c.2603A>T, p.Lys868Met (NM_015088.3); c.566-3289A>T (NM_001024843.2); short protein forms K868M.
Identifiers: ClinVar variation 4690038 (VCV004690038.1).

ClinVar aggregate classification (germline): Uncertain significance (1 of 4 stars; one submission).

Submission:

GeneDx
Classification: Uncertain significance. Last evaluated: 2025-07-29. Review status: criteria provided, single submitter. Criteria: GeneDx Variant Classification Process June 2021. Collection method: clinical testing. Allele origin: germline. Affected: yes.
Comment: Not observed at significant frequency in large population cohorts (gnomAD); In silico analysis supports that this missense variant has a deleterious effect on protein structure/function; Has not been previously published as pathogenic or benign to our knowledge